The following is an entry in ClinVar:

ClinVar aggregate classification (germline): Uncertain significance (1 of 4 stars; one submission).

Conditions:
Cardiovascular phenotype. Identifiers: MedGen CN230736.

Submission:

Ambry Genetics
Classification: Uncertain significance for Cardiovascular phenotype. Last evaluated: 2026-05-24. Review status: criteria provided, single submitter. Criteria: Ambry Variant Classification Scheme 2023. Collection method: clinical testing. Allele origin: germline.
Comment: The p.S1400L variant (also known as c.4199C>T), located in coding exon 30 of the LAMA4 gene, results from a C to T substitution at nucleotide position 4199. The serine at codon 1400 is replaced by leucine, an amino acid with dissimilar properties. This amino acid position is conserved. In addition, this alteration is predicted to be tolerated by in silico analysis. Based on the available evidence, the clinical significance of this variant remains unclear.

NM_001105206.3(LAMA4):c.4220C>T (p.Ser1407Leu)

Gene: LAMA4 (laminin subunit alpha 4; minus strand). Cytogenetic location: 6q21.
Variant type: single nucleotide variant.
Coding change: c.4220C>T on transcript NM_001105206.3 (MANE Select); coding-DNA position 4220, C replaced by T.
Protein change: p.Ser1407Leu; replaces serine 1407 with leucine.
Molecular consequence: missense variant.
Genome position (GRCh38, 1-based): chr6:112,128,989, G>A on the plus strand (C>T on the coding strand, the complement: LAMA4 is on the minus strand). VCF-style: chr6-112128989-G-A. GRCh37 (hg19) VCF-style: chr6-112450191-G-A.
Other names: c.4199C>T, p.Ser1400Leu (NM_001105207.3, NM_002290.5); short protein forms S1400L, S1407L.
Identifiers: ClinVar variation 4859101 (VCV004859101.1).